The following is an entry in ClinVar:

NM_000382.3(ALDH3A2):c.1398C>T (p.Leu466=)

Gene: ALDH3A2 (aldehyde dehydrogenase 3 family member A2; plus strand). Cytogenetic location: 17p11.2.
Variant type: single nucleotide variant.
Coding change: c.1398C>T on transcript NM_000382.3 (MANE Select); coding-DNA position 1398, C replaced by T.
Protein change: p.Leu466=; no amino-acid change (leucine 466 retained).
Molecular consequence: synonymous variant. On other transcripts: intron variant (1).
Genome position (GRCh38, 1-based): chr17:19,671,911, C>T. VCF-style: chr17-19671911-C-T. GRCh37 (hg19) VCF-style: chr17-19575224-C-T.
Other names: c.1398C>T, p.Leu466= (NM_001031806.2, NM_001369136.1, NM_001369137.2 and 2 more transcripts); c.819C>T, p.Leu273= (NM_001369148.2); c.1208-3647C>T (NM_001369146.2).
Identifiers: ClinVar variation 733489 (VCV000733489.49), dbSNP rs150927045, ClinGen allele CA8443072.

ClinVar aggregate classification (germline): Conflicting classifications of pathogenicity. Review status: criteria provided, conflicting classifications (1 of 4 stars). 5 submissions from 5 submitters: Uncertain significance (1); Likely benign (3). 1 of the submissions does not count toward it. Last evaluated 2026-02-01.

Conditions:
Sjögren-Larsson syndrome (SLS). Also called: FALDH DEFICIENCY; FATTY ALCOHOL:NAD+ OXIDOREDUCTASE DEFICIENCY; FATTY ALDEHYDE DEHYDROGENASE DEFICIENCY; ICHTHYOSIS, SPASTIC NEUROLOGIC DISORDER, AND OLIGOPHRENIA. Identifiers: Orphanet 816, MedGen C0037231, MONDO:0010031, OMIM 270200.

Allele frequency attached by ClinVar (database versions not stated): ESP Exome Variant Server 0.00054; ExAC 0.00058; gnomAD 0.00058 and 0.00065; gnomAD exomes 0.00068; TOPMed 0.00071.
gnomAD v4.1: 912 of 1,614,180 alleles (0.056%); highest among the groups gnomAD compares: Middle Eastern, 0.99%; 5 homozygotes.

Submissions (5):

CeGaT Center for Human Genetics Tuebingen
Classification: Likely benign. Last evaluated: 2026-02-01. Review status: criteria provided, single submitter. Criteria: CeGaT Center For Human Genetics Tuebingen Variant Classification Criteria Version 2. Collection method: clinical testing. Allele origin: germline. Affected: yes. Observed: 4 variant alleles.
Comment: ALDH3A2: BP4, BP7

Labcorp Genetics (formerly Invitae), Labcorp
Classification: Likely benign. Last evaluated: 2026-01-31. Review status: criteria provided, single submitter. Criteria: Invitae Variant Classification Sherloc (09022015). Collection method: clinical testing. Allele origin: germline.

Blueprint Genetics
Classification: Likely benign. Last evaluated: 2024-11-11. Review status: criteria provided, single submitter. Criteria: ACMG Guidelines, 2015. Collection method: clinical testing. Allele origin: germline.

Illumina Laboratory Services, Illumina
Classification: Uncertain significance for Sjögren-Larsson syndrome. Last evaluated: 2018-01-12. Review status: criteria provided, single submitter. Criteria: ICSL Variant Classification Criteria 13 December 2019. Collection method: clinical testing. Allele origin: germline.

Natera, Inc.
Classification: Likely benign for SjÃ¶gren-Larsson syndrome. Last evaluated: 2020-05-01. Review status: no assertion criteria provided. Collection method: clinical testing. Allele origin: germline. Not counted in ClinVar's aggregate classification.